The following is an entry in ClinVar:

NM_001540.5(HSPB1):c.554T>C (p.Phe185Ser)

Gene: HSPB1 (heat shock protein family B (small) member 1; plus strand). Cytogenetic location: 7q11.23.
Variant type: single nucleotide variant.
Coding change: c.554T>C on transcript NM_001540.5 (MANE Select); coding-DNA position 554, T replaced by C.
Protein change: p.Phe185Ser; replaces phenylalanine 185 with serine.
Molecular consequence: missense variant.
Genome position (GRCh38, 1-based): chr7:76,304,109, T>C. VCF-style: chr7-76304109-T-C. GRCh37 (hg19) VCF-style: chr7-75933426-T-C.
Other names: c.554T>C (LRG_248t1); short protein forms F185S.
Identifiers: ClinVar variation 465277 (VCV000465277.8), dbSNP rs777225392, ClinGen allele CA4306441.
Genomic context (GRCh38, chr7:76,304,109, plus strand): 5'-TGGAGGCCCCCATGCCCAAGCTAGCCACGCAGTCCAACGAGATCACCATCCCAGTCACCT[T>C]CGAGTCGCGGGCCCAGCTTGGGGGCCCAGAAGCTGCAAAATCCGATGAGACTGCCGCCAA-3'
Protein context (NP_001531.1, residues 175-195): QSNEITIPVT[Phe185Ser]ESRAQLGGPE

ClinVar aggregate classification (germline): Uncertain significance (1 of 4 stars; one submission).

Conditions:
Charcot-Marie-Tooth disease axonal type 2F (CMT2F). Also called: CHARCOT-MARIE-TOOTH DISEASE, NEURONAL, TYPE 2F; Charcot-Marie-Tooth Neuropathy Type 2F. Identifiers: Orphanet 99940, MedGen C1847823, MONDO:0011687, OMIM 606595.

Submission:

Labcorp Genetics (formerly Invitae), Labcorp
Classification: Uncertain significance for Charcot-Marie-Tooth disease axonal type 2F. Last evaluated: 2017-06-09. Review status: criteria provided, single submitter. Criteria: Invitae Variant Classification Sherloc (09022015). Collection method: clinical testing. Allele origin: germline.
Comment: In summary, this variant has uncertain impact on HSPB1 function. The available evidence is currently insufficient to determine its role in disease. Therefore, it has been classified as a Variant of Uncertain Significance. Algorithms developed to predict the effect of missense changes on protein structure and function do not agree on the potential impact of this missense change (SIFT: "Tolerated"; PolyPhen-2: "Benign"; Align-GVGD: "Class C0"). This variant has not been reported in the literature in individuals with a HSPB1-related disease. The frequency data for this variant in the population databases is considered unreliable, as metrics indicate poor data quality at this position in the ExAC database. This sequence change replaces phenylalanine with serine at codon 185 of the HSPB1 protein (p.Phe185Ser). The phenylalanine residue is moderately conserved and there is a large physicochemical difference between phenylalanine and serine.